The following is an entry in ClinVar:

NM_003839.4(TNFRSF11A):c.1693C>T (p.Pro565Ser)

Gene: TNFRSF11A (TNF receptor superfamily member 11a; plus strand). Cytogenetic location: 18q21.33.
Variant type: single nucleotide variant.
Coding change: c.1693C>T on transcript NM_003839.4 (MANE Select); coding-DNA position 1693, C replaced by T.
Protein change: p.Pro565Ser; replaces proline 565 with serine.
Molecular consequence: missense variant. On other transcripts: 3 prime UTR variant (1).
Genome position (GRCh38, 1-based): chr18:62,384,876, C>T. VCF-style: chr18-62384876-C-T. GRCh37 (hg19) VCF-style: chr18-60052109-C-T.
Other names: c.*117C>T (NM_001270949.2); c.856C>T, p.Pro286Ser (NM_001270950.2); c.742C>T, p.Pro248Ser (NM_001270951.2); c.1651C>T, p.Pro551Ser (NM_001278268.2); short protein forms P286S, P565S, P248S, P551S.
Identifiers: ClinVar variation 1385490 (VCV001385490.6), dbSNP rs759335197, ClinGen allele CA8984033.

ClinVar aggregate classification (germline): Uncertain significance (1 of 4 stars; one submission).

Allele frequency attached by ClinVar (database versions not stated): gnomAD exomes 0.00001 and 0.00002; gnomAD 0.00002; TOPMed 0.00002; ExAC 0.00004.
gnomAD v4.1: 27 of 1,596,148 alleles (0.0017%); highest among the groups gnomAD compares: African/African-American, 0.004%; no homozygotes.

Submission:

Labcorp Genetics (formerly Invitae), Labcorp
Classification: Uncertain significance. Last evaluated: 2025-06-19. Review status: criteria provided, single submitter. Criteria: Invitae Variant Classification Sherloc (09022015). Collection method: clinical testing. Allele origin: germline.
Comment: This sequence change replaces proline, which is neutral and non-polar, with serine, which is neutral and polar, at codon 565 of the TNFRSF11A protein (p.Pro565Ser). This variant is present in population databases (rs759335197, gnomAD 0.009%). This variant has not been reported in the literature in individuals affected with TNFRSF11A-related conditions. ClinVar contains an entry for this variant (Variation ID: 1385490). An algorithm developed to predict the effect of missense changes on protein structure and function (PolyPhen-2) suggests that this variant is likely to be disruptive. In summary, the available evidence is currently insufficient to determine the role of this variant in disease. Therefore, it has been classified as a Variant of Uncertain Significance.